The following is an entry in ClinVar:

NM_002439.5(MSH3):c.2105_2107delinsAA (p.Leu702_Phe703delinsTer)

Gene: MSH3 (mutS homolog 3; plus strand). Cytogenetic location: 5q14.1.
Variant type: Indel.
Coding change: c.2105_2107delinsAA on transcript NM_002439.5 (MANE Select); coding-DNA positions 2105 to 2107, TAT replaced by AA.
Protein change: p.Leu702_Phe703delinsTer.
Molecular consequence: nonsense.
Genome position (GRCh38, 1-based): chr5:80,768,855-80,768,857, TAT replaced by AA. VCF-style: chr5-80768855-TAT-AA. GRCh37 (hg19) VCF-style: chr5-80064674-TAT-AA.
Identifiers: ClinVar variation 3148687 (VCV003148687.1), dbSNP rs2546774188, ClinGen allele CA2825001437.

ClinVar aggregate classification (germline): Pathogenic (1 of 4 stars; one submission).

Conditions:
Familial adenomatous polyposis 4 (FAP4). Also called: MSH3-related attenuated familial adenomatous polyposis. Identifiers: Orphanet 480536, MedGen C4310719, MONDO:0044300, OMIM 617100.

Submission:

Myriad Genetics, Inc.
Classification: Pathogenic for Familial adenomatous polyposis 4. Last evaluated: 2024-01-29. Review status: criteria provided, single submitter. Criteria: Myriad Autosomal Dominant, Autosomal Recessive and X-Linked Classification Criteria (2023). Collection method: clinical testing. Allele origin: unknown.
Comment: This variant is considered pathogenic. This variant creates a termination codon and is predicted to result in premature protein truncation.